The following is an entry in ClinVar:

ClinVar aggregate classification (germline): Uncertain significance (1 of 4 stars; one submission).

Conditions:
Hereditary spastic paraplegia 3A (SPG3A). Also called: Spastic paraplegia 3A, autosomal dominant; SPASTIC PARAPLEGIA 3, AUTOSOMAL DOMINANT; FAMILIAL SPASTIC PARAPLEGIA, AUTOSOMAL DOMINANT, 1; SPG3; STRUMPELL DISEASE; Spastic Paraplegia 3A. Identifiers: Orphanet 100984, MedGen C2931355, MONDO:0008437, OMIM 182600.

Submission:

Labcorp Genetics (formerly Invitae), Labcorp
Classification: Uncertain significance for Hereditary spastic paraplegia 3A. Last evaluated: 2021-08-03. Review status: criteria provided, single submitter. Criteria: Invitae Variant Classification Sherloc (09022015). Collection method: clinical testing. Allele origin: germline.
Comment: In summary, the available evidence is currently insufficient to determine the role of this variant in disease. Therefore, it has been classified as a Variant of Uncertain Significance. Algorithms developed to predict the effect of missense changes on protein structure and function are either unavailable or do not agree on the potential impact of this missense change (SIFT: "Deleterious"; PolyPhen-2: "Possibly Damaging"; Align-GVGD: "Class C0"). This variant has not been reported in the literature in individuals affected with ATL1-related conditions. This variant is not present in population databases (ExAC no frequency). This sequence change replaces asparagine with histidine at codon 252 of the ATL1 protein (p.Asn252His). The asparagine residue is highly conserved and there is a small physicochemical difference between asparagine and histidine.

NM_015915.5(ATL1):c.754A>C (p.Asn252His)

Gene: ATL1 (atlastin GTPase 1; plus strand). Cytogenetic location: 14q22.1.
Variant type: single nucleotide variant.
Coding change: c.754A>C on transcript NM_015915.5 (MANE Select); coding-DNA position 754, A replaced by C.
Protein change: p.Asn252His; replaces asparagine 252 with histidine.
Molecular consequence: missense variant.
Genome position (GRCh38, 1-based): chr14:50,614,403, A>C. VCF-style: chr14-50614403-A-C. GRCh37 (hg19) VCF-style: chr14-51081121-A-C.
Other names: c.754A>C, p.Asn252His (NM_001127713.1, NM_181598.4); short protein forms N252H.
Identifiers: ClinVar variation 1372019 (VCV001372019.6), dbSNP rs2140226902, ClinGen allele CA389671523.
Genomic context (GRCh38, chr14:50,614,403, plus strand): 5'-TAGTTTAAACTTCAGAATGATTTACTGCAGGTCTCAGGGAACCAGCATGAAGAACTACAG[A>C]ACGTCAGAAAACACATCCATTCCTGTTTCACCAACATTTCCTGTTTTCTGCTACCTCATC-3'
Protein context (NP_056999.2, residues 242-262): VSGNQHEELQ[Asn252His]VRKHIHSCFT